The following is an entry in ClinVar:

ClinVar aggregate classification (germline): Likely pathogenic (1 of 4 stars; one submission).

Conditions:
Neuronal ceroid lipofuscinosis 3 (CLN3). Identifiers: Orphanet 228346, MedGen C0751383, MONDO:0008767, OMIM 204200.

Submission:

First Genomix Gene Laboratory, Genetic Diagnostics Department
Classification: Likely pathogenic for Neuronal ceroid lipofuscinosis 3. Last evaluated: 2025-03-14. Review status: criteria provided, single submitter. Criteria: ACMG Guidelines, 2015. Collection method: clinical testing. Allele origin: germline. Inheritance: Autosomal recessive inheritance. Affected: no. Observed: 1 variant allele.

NM_001042432.2(CLN3):c.902del (p.Gly301fs)

Gene: CLN3 (CLN3 lysosomal/endosomal transmembrane protein, battenin; minus strand). Cytogenetic location: 16p12.1.
Variant type: Deletion.
Coding change: c.902del on transcript NM_001042432.2 (MANE Select); coding-DNA position 902, one base deleted (G; older notation c.902delG).
Protein change: p.Gly301fs; shifts the reading frame from glycine 301.
Molecular consequence: frameshift variant.
Genome position (GRCh38, 1-based): chr16:28,482,481, C deleted on the plus strand (G on the coding strand, the reverse complement: CLN3 is on the minus strand); the first of 3 consecutive C bases (chr16:28,482,481-28,482,483); deleting any one gives the same sequence. VCF-style (leftmost placement, unchanged base first): chr16-28482480-TC-T. GRCh37 (hg19) VCF-style: chr16-28493801-TC-T.
Other names: c.902del, p.Gly301fs (NM_000086.2); c.830del, p.Gly277fs (NM_001286104.2); c.602del, p.Gly201fs (NM_001286105.2); c.668del, p.Gly223fs (NM_001286109.2); c.740del, p.Gly247fs (NM_001286110.2); c.902delG (NM_001042432.2); short protein forms G201fs, G223fs, G247fs, G277fs, G301fs.
Identifiers: ClinVar variation 4845872 (VCV004845872.1).
Genomic context (GRCh38, chr16:28,482,480, plus strand): 5'-GTGTGGGTCCCAGCCCCAATCGCCACCTCCACACCCCTCCTAGCACCCCTCACTTACAAG[TC>T]CCTGGTTAATGAAATACTCGGCAAAGTAAACTACGACCAAGGGAACAATGTACCACAGCA-3'